The following is an entry in ClinVar:

NM_206933.4(USH2A):c.13769G>A (p.Gly4590Asp)

Gene: USH2A (usherin; minus strand). Cytogenetic location: 1q41.
Variant type: single nucleotide variant.
Coding change: c.13769G>A on transcript NM_206933.4 (MANE Select); coding-DNA position 13769, G replaced by A.
Protein change: p.Gly4590Asp; replaces glycine 4590 with aspartic acid.
Molecular consequence: missense variant.
Genome position (GRCh38, 1-based): chr1:215,674,142, C>T on the plus strand (G>A on the coding strand, the complement: USH2A is on the minus strand). VCF-style: chr1-215674142-C-T. GRCh37 (hg19) VCF-style: chr1-215847484-C-T.
Other names: short protein forms G4590D.
Identifiers: ClinVar variation 2706500 (VCV002706500.3), dbSNP rs1657913190, ClinGen allele CA344843420.

ClinVar aggregate classification (germline): Uncertain significance (1 of 4 stars; one submission).

gnomAD v4.1: 1 of 1,614,070 alleles (0.000062%); highest among the groups gnomAD compares: Non-Finnish European, 0.000085%; no homozygotes.

Submission:

Labcorp Genetics (formerly Invitae), Labcorp
Classification: Uncertain significance. Last evaluated: 2023-12-30. Review status: criteria provided, single submitter. Criteria: Invitae Variant Classification Sherloc (09022015). Collection method: clinical testing. Allele origin: germline.
Comment: This sequence change replaces glycine, which is neutral and non-polar, with aspartic acid, which is acidic and polar, at codon 4590 of the USH2A protein (p.Gly4590Asp). This variant is not present in population databases (gnomAD no frequency). This variant has not been reported in the literature in individuals affected with USH2A-related conditions. Advanced modeling of protein sequence and biophysical properties (such as structural, functional, and spatial information, amino acid conservation, physicochemical variation, residue mobility, and thermodynamic stability) performed at Invitae indicates that this missense variant is not expected to disrupt USH2A protein function with a negative predictive value of 95%. In summary, the available evidence is currently insufficient to determine the role of this variant in disease. Therefore, it has been classified as a Variant of Uncertain Significance.